The following is an entry in ClinVar:

NM_002335.4(LRP5):c.4579C>T (p.Pro1527Ser)

Gene: LRP5 (LDL receptor related protein 5; plus strand). Cytogenetic location: 11q13.2.
Variant type: single nucleotide variant.
Coding change: c.4579C>T on transcript NM_002335.4 (MANE Select); coding-DNA position 4579, C replaced by T.
Protein change: p.Pro1527Ser; replaces proline 1527 with serine.
Molecular consequence: missense variant.
Genome position (GRCh38, 1-based): chr11:68,446,526, C>T. VCF-style: chr11-68446526-C-T. GRCh37 (hg19) VCF-style: chr11-68213994-C-T.
Other names: c.2836C>T, p.Pro946Ser (NM_001291902.2); short protein forms P946S, P1527S.
Identifiers: ClinVar variation 1349118 (VCV001349118.8), dbSNP rs757890963, ClinGen allele CA6150428.
Genomic context (GRCh38, chr11:68,446,526, plus strand): 5'-GACCCCTCCCTGTACAACATGGACATGTTCTACTCTTCAAACATTCCGGCCACTGCGAGA[C>T]CGTACAGGTAGGACATCCCCTGCAGCCCTCCATGGCCATTGGGTTCCCGCCAGCCCGTGG-3'
Protein context (NP_002326.2, residues 1517-1537): YSSNIPATAR[Pro1527Ser]YRPYIIRGMA

ClinVar aggregate classification (germline): Uncertain significance (1 of 4 stars; one submission).

Allele frequency attached by ClinVar (database versions not stated): gnomAD 0.00001; TOPMed 0.00001.
gnomAD v4.1: 12 of 1,613,576 alleles (0.00074%); highest among the groups gnomAD compares: African/African-American, 0.0013%; no homozygotes.

Submission:

Labcorp Genetics (formerly Invitae), Labcorp
Classification: Uncertain significance. Last evaluated: 2025-04-16. Review status: criteria provided, single submitter. Criteria: Invitae Variant Classification Sherloc (09022015). Collection method: clinical testing. Allele origin: germline.
Comment: This sequence change replaces proline, which is neutral and non-polar, with serine, which is neutral and polar, at codon 1527 of the LRP5 protein (p.Pro1527Ser). This variant is present in population databases (rs757890963, gnomAD 0.01%). This variant has not been reported in the literature in individuals affected with LRP5-related conditions. ClinVar contains an entry for this variant (Variation ID: 1349118). Invitae Evidence Modeling of protein sequence and biophysical properties (such as structural, functional, and spatial information, amino acid conservation, physicochemical variation, residue mobility, and thermodynamic stability) indicates that this missense variant is not expected to disrupt LRP5 protein function with a negative predictive value of 95%. In summary, the available evidence is currently insufficient to determine the role of this variant in disease. Therefore, it has been classified as a Variant of Uncertain Significance.